The following is an entry in ClinVar:

NM_001130438.3(SPTAN1):c.715C>T (p.Arg239Trp)

Gene: SPTAN1 (spectrin alpha, non-erythrocytic 1; plus strand). Cytogenetic location: 9q34.11.
Variant type: single nucleotide variant.
Coding change: c.715C>T on transcript NM_001130438.3 (MANE Select); coding-DNA position 715, C replaced by T.
Protein change: p.Arg239Trp; replaces arginine 239 with tryptophan.
Molecular consequence: missense variant.
Genome position (GRCh38, 1-based): chr9:128,576,886, C>T. VCF-style: chr9-128576886-C-T. GRCh37 (hg19) VCF-style: chr9-131339165-C-T.
Other names: c.715C>T, p.Arg239Trp (NM_001195532.2, NM_001363759.2, NM_001363765.2 and 1 more transcripts); short protein forms R239W.
Identifiers: ClinVar variation 577039 (VCV000577039.10), dbSNP rs763806998, ClinGen allele CA5264235.

ClinVar aggregate classification (germline): Uncertain significance. Review status: criteria provided, multiple submitters, no conflicts (2 of 4 stars). 2 submissions from 2 submitters: Uncertain significance (2). Last evaluated 2026-02-02.

Conditions:
Early-infantile DEE. Also called: Early infantile epileptic encephalopathy; Early infantile epileptic encephalopathy with suppression bursts; Ohtahara syndrome. Identifiers: Orphanet 1934, MedGen C0393706, MONDO:0800491.

Allele frequency attached by ClinVar (database versions not stated): ExAC 0.00002; gnomAD exomes 0.00004 and 0.00001; TOPMed 0.00002; gnomAD 0.00001.

Submissions (2):

GeneDx
Classification: Uncertain significance. Last evaluated: 2026-02-02. Review status: criteria provided, single submitter. Criteria: GeneDx Variant Classification Process June 2021. Collection method: clinical testing. Allele origin: germline.
Comment: In silico analysis supports that this missense variant has a deleterious effect on protein structure/function; Has not been previously published as pathogenic or benign to our knowledge

Labcorp Genetics (formerly Invitae), Labcorp
Classification: Uncertain significance for Early-infantile DEE. Last evaluated: 2025-10-15. Review status: criteria provided, single submitter. Criteria: Invitae Variant Classification Sherloc (09022015). Collection method: clinical testing. Allele origin: germline.
Comment: This sequence change replaces arginine, which is basic and polar, with tryptophan, which is neutral and slightly polar, at codon 239 of the SPTAN1 protein (p.Arg239Trp). This variant is present in population databases (rs763806998, gnomAD 0.03%). This missense change has been observed in individuals with early onset epilepsy (internal data). ClinVar contains an entry for this variant (Variation ID: 577039). Invitae Evidence Modeling of protein sequence and biophysical properties (such as structural, functional, and spatial information, amino acid conservation, physicochemical variation, residue mobility, and thermodynamic stability) has been performed for this missense variant. However, the output from this modeling did not meet the statistical confidence thresholds required to predict the impact of this variant on SPTAN1 protein function. In summary, the available evidence is currently insufficient to determine the role of this variant in disease. Therefore, it has been classified as a Variant of Uncertain Significance.